The following is an entry in ClinVar:

NM_058216.3(RAD51C):c.33G>C (p.Gln11His)

Gene: RAD51C (RAD51 paralog C; plus strand). Cytogenetic location: 17q22.
Variant type: single nucleotide variant.
Coding change: c.33G>C on transcript NM_058216.3 (MANE Select); coding-DNA position 33, G replaced by C.
Protein change: p.Gln11His; replaces glutamine 11 with histidine.
Molecular consequence: missense variant. On other transcripts: non-coding transcript variant (2).
Genome position (GRCh38, 1-based): chr17:58,692,676, G>C. VCF-style: chr17-58692676-G-C. GRCh37 (hg19) VCF-style: chr17-56770037-G-C.
Other names: c.33G>C, p.Gln11His (NM_002876.4, NM_058217.1); short protein forms Q11H.
Identifiers: ClinVar variation 2818832 (VCV002818832.5), dbSNP rs748248444, ClinGen allele CA292046868.

ClinVar aggregate classification (germline): Conflicting classifications of pathogenicity. Review status: criteria provided, conflicting classifications (1 of 4 stars). 2 submissions from 2 submitters: Uncertain significance (1); Benign (1). Last evaluated 2025-10-24.

Conditions:
Hereditary cancer-predisposing syndrome. Also called: Neoplastic Syndromes, Hereditary; Hereditary Cancer Syndrome; Hereditary neoplastic syndrome; Tumor predisposition. Identifiers: Orphanet 140162, MedGen C0027672, MeSH D009386, MONDO:0015356.
Fanconi anemia complementation group O. Also called: RAD51C-Related Fanconi Anemia. Identifiers: Orphanet 84, MedGen C3150653, MONDO:0013248, OMIM 613390.

Submissions (2):

Ambry Genetics
Classification: Benign for Hereditary cancer-predisposing syndrome. Last evaluated: 2025-10-24. Review status: criteria provided, single submitter. Criteria: Ambry Variant Classification Scheme 2023. Collection method: clinical testing. Allele origin: germline.

Labcorp Genetics (formerly Invitae), Labcorp
Classification: Uncertain significance for Fanconi anemia complementation group O. Last evaluated: 2022-12-05. Review status: criteria provided, single submitter. Criteria: Invitae Variant Classification Sherloc (09022015). Collection method: clinical testing. Allele origin: germline.
Comment: In summary, the available evidence is currently insufficient to determine the role of this variant in disease. Therefore, it has been classified as a Variant of Uncertain Significance. Algorithms developed to predict the effect of missense changes on protein structure and function (SIFT, PolyPhen-2, Align-GVGD) all suggest that this variant is likely to be tolerated. This variant has not been reported in the literature in individuals affected with RAD51C-related conditions. This variant is not present in population databases (gnomAD no frequency). This sequence change replaces glutamine, which is neutral and polar, with histidine, which is basic and polar, at codon 11 of the RAD51C protein (p.Gln11His).